The following is an entry in ClinVar:

NM_000478.6(ALPL):c.1216G>A (p.Asp406Asn)

Gene: ALPL (alkaline phosphatase, biomineralization associated; plus strand). Cytogenetic location: 1p36.12.
Variant type: single nucleotide variant.
Coding change: c.1216G>A on transcript NM_000478.6 (MANE Select); coding-DNA position 1216, G replaced by A.
Protein change: p.Asp406Asn; replaces aspartic acid 406 with asparagine.
Molecular consequence: missense variant.
Genome position (GRCh38, 1-based): chr1:21,576,548, G>A. VCF-style: chr1-21576548-G-A. GRCh37 (hg19) VCF-style: chr1-21903041-G-A.
Other names: c.1051G>A, p.Asp351Asn (NM_001127501.4); c.985G>A, p.Asp329Asn (NM_001177520.3); c.1216G>A, p.Asp406Asn (NM_001369803.2, NM_001369804.2, NM_001369805.2); short protein forms D329N, D351N, D406N.
Identifiers: ClinVar variation 4086879 (VCV004086879.2).

ClinVar aggregate classification (germline): Likely pathogenic. Review status: criteria provided, multiple submitters, no conflicts (2 of 4 stars). 2 submissions from 2 submitters: Likely pathogenic (2). Last evaluated 2025-08-29.

Conditions:
Hypophosphatasia. Also called: Phosphoethanol-aminuria. Identifiers: Orphanet 436, MedGen C0020630, MeSH D007014, MONDO:0018570.

Submissions (2):

Genomenon, Inc
Classification: Likely pathogenic for Hypophosphatasia. Last evaluated: 2025-08-29. Review status: criteria provided, single submitter. Criteria: Genomenon Sequence Variant Interpretation Standards. Collection method: curation. Allele origin: germline. Affected: yes.
Comment: ALPL c.1216G>A is a missense variant that changes the amino acid at residue 406 from Aspartic acid to Asparagine. This variant has been observed in at least one proband affected with hypophosphatasia (PMID:36361766;32973344). It is absent or not present at a significant frequency in gnomAD. In silico models agree that this variant is possibly or probably damaging. In conclusion, we classify ALPL p.Asp406Asn (c.1216G>A) as a likely pathogenic variant.

JKU Lab, Dept of Paediatrics, Johannes Kepler University
Classification: Likely pathogenic for Hypophosphatasia. Last evaluated: 2025-08-28. Review status: criteria provided, single submitter. Criteria: ACMG Guidelines, 2015. Collection method: curation, in vitro. Allele origin: germline, not applicable. Affected: yes. Functional consequence: decreased enzyme activity.
Comment: This missense variant is not present in GnomAD 4.1 and affects a highly conserved amino acid in the phosphorylation (putative) site domain. The variant is predicted to affect protein function (REVEL score: 0.738). Splice-prediction algorithms predict no effect on splicing. In vitro functional studies showed reduced ALP activity, without a dominant negative effect. This variant has been reported in the literature in individuals affected with ALPL-related conditions (PMID:36361766;PMID:32973344). The results of the functional testing and the applied ACMG criteria can be viewed at an online resource

Literature cited by the submitters: PubMed 36361766 (cited by Genomenon, Inc and JKU Lab, Dept of Paediatrics, Johannes Kepler University); PubMed 32973344 (cited by Genomenon, Inc and JKU Lab, Dept of Paediatrics, Johannes Kepler University).